The following is an entry in ClinVar:

NM_001005242.3(PKP2):c.2138C>A (p.Ser713Tyr)

Gene: PKP2 (plakophilin 2; minus strand). Cytogenetic location: 12p11.21.
Variant type: single nucleotide variant.
Coding change: c.2138C>A on transcript NM_001005242.3 (MANE Select); coding-DNA position 2138, C replaced by A.
Protein change: p.Ser713Tyr; replaces serine 713 with tyrosine.
Molecular consequence: missense variant.
Genome position (GRCh38, 1-based): chr12:32,802,432, G>T on the plus strand (C>A on the coding strand, the complement: PKP2 is on the minus strand). VCF-style: chr12-32802432-G-T. GRCh37 (hg19) VCF-style: chr12-32955366-G-T.
Other names: c.2270C>A, p.Ser757Tyr (NM_004572.4); short protein forms S713Y, S757Y.
Identifiers: ClinVar variation 941239 (VCV000941239.9), dbSNP rs1956190526, ClinGen allele CA384359338.

ClinVar aggregate classification (germline): Uncertain significance (1 of 4 stars; one submission).

Conditions:
Arrhythmogenic right ventricular dysplasia 9 (ARVD9). Also called: Arrhythmogenic Right Ventricular Dysplasia/Cardiomyopathy 9; ARRHYTHMOGENIC RIGHT VENTRICULAR DYSPLASIA, FAMILIAL, 9. Identifiers: MedGen C1836906, MONDO:0012180, OMIM 609040.

Submission:

Labcorp Genetics (formerly Invitae), Labcorp
Classification: Uncertain significance for Arrhythmogenic right ventricular dysplasia 9. Last evaluated: 2019-05-27. Review status: criteria provided, single submitter. Criteria: Invitae Variant Classification Sherloc (09022015). Collection method: clinical testing. Allele origin: germline.
Comment: This sequence change replaces serine with tyrosine at codon 757 of the PKP2 protein (p.Ser757Tyr). The serine residue is highly conserved and there is a large physicochemical difference between serine and tyrosine. In summary, the available evidence is currently insufficient to determine the role of this variant in disease. Therefore, it has been classified as a Variant of Uncertain Significance. Algorithms developed to predict the effect of missense changes on protein structure and function (SIFT, PolyPhen-2, Align-GVGD) all suggest that this variant is likely to be disruptive, but these predictions have not been confirmed by published functional studies and their clinical significance is uncertain. This variant has not been reported in the literature in individuals with PKP2-related conditions. This variant is not present in population databases (ExAC no frequency).